The following is an entry in ClinVar:

ClinVar aggregate classification (germline): Uncertain significance. Review status: criteria provided, multiple submitters, no conflicts (2 of 4 stars). 5 submissions from 5 submitters: Uncertain significance (4). 1 of the submissions does not count toward it. Last evaluated 2024-10-30.

Conditions:
Chédiak-Higashi syndrome (CHS). Also called: Chediak-Higashi Syndrome. Identifiers: Orphanet 167, MedGen C0007965, MONDO:0008963, OMIM 214500.
Spastic ataxia. Identifiers: Orphanet 316226, MedGen C1849156, MONDO:0017845, HP:0002497.

Allele frequency attached by ClinVar (database versions not stated): gnomAD exomes 0.00006 and 0.00007; ExAC 0.00007; gnomAD 0.00009 and 0.00010; TOPMed 0.00011.
gnomAD v4.1: 110 of 1,614,108 alleles (0.0068%); highest among the groups gnomAD compares: Middle Eastern, 0.13%; 1 homozygote.

Submissions (5):

Labcorp Genetics (formerly Invitae), Labcorp
Classification: Uncertain significance for Chédiak-Higashi syndrome. Last evaluated: 2024-10-30. Review status: criteria provided, single submitter. Criteria: Invitae Variant Classification Sherloc (09022015). Collection method: clinical testing. Allele origin: germline.
Comment: This sequence change replaces arginine, which is basic and polar, with tryptophan, which is neutral and slightly polar, at codon 1446 of the LYST protein (p.Arg1446Trp). This variant is present in population databases (rs200276917, gnomAD 0.02%). This variant has not been reported in the literature in individuals affected with LYST-related conditions. ClinVar contains an entry for this variant (Variation ID: 959432). Invitae Evidence Modeling of protein sequence and biophysical properties (such as structural, functional, and spatial information, amino acid conservation, physicochemical variation, residue mobility, and thermodynamic stability) indicates that this missense variant is not expected to disrupt LYST protein function with a negative predictive value of 80%. In summary, the available evidence is currently insufficient to determine the role of this variant in disease. Therefore, it has been classified as a Variant of Uncertain Significance.

Blueprint Genetics
Classification: Uncertain significance. Last evaluated: 2024-09-30. Review status: criteria provided, single submitter. Criteria: ACMG Guidelines, 2015. Collection method: clinical testing. Allele origin: germline.

Molecular Medicine for Neurodegenerative and Neuromuscular Diseases Unit, IRCCS Fondazione Stella Maris
Classification: Uncertain significance for Spastic ataxia. Last evaluated: 2021-01-04. Review status: criteria provided, single submitter. Criteria: ACMG Guidelines, 2015. Collection method: research. Allele origin: unknown. Affected: yes.

Revvity Omics, Revvity
Classification: Uncertain significance for Chédiak-Higashi syndrome. Last evaluated: 2019-06-17. Review status: criteria provided, single submitter. Criteria: ACMG Guidelines, 2015. Collection method: clinical testing. Allele origin: germline.

Department of Pathology and Laboratory Medicine, Sinai Health System
Classification: Uncertain significance. Review status: no assertion criteria provided. Collection method: clinical testing. Allele origin: unknown. Affected: yes. Study: The Canadian Open Genetics Repository (COGR). Not counted in ClinVar's aggregate classification.
Comment: The LYST p.Arg1446Trp variant was not identified in the literature nor was it identified in the Clinvar, Clinvitae, COSMIC and LOVD 3.0 databases. The variant was identified in dbSNP (ID: rs200276917) and in control databases in 24 of 282522 chromosomes at a frequency of 0.000085 (Genome Aggregation Database Feb 27, 2017). The variant was observed in the following populations: Other in 3 of 7216 chromosomes (freq: 0.000416), Latino in 5 of 35438 chromosomes (freq: 0.000141), African in 3 of 24966 chromosomes (freq: 0.00012) and European (non-Finnish) in 13 of 128892 chromosomes (freq: 0.000101), but was not observed in the Ashkenazi Jewish, East Asian, European (Finnish), and South Asian populations. The c.4336C>T variant occurs outside of the splicing consensus sequence and in silico or computational prediction software programs (SpliceSiteFinder, MaxEntScan, NNSPLICE, GeneSplicer) do not predict a difference in splicing. The p.Arg1446 residue is not conserved in mammals and computational analyses (PolyPhen-2, SIFT, AlignGVGD, BLOSUM, MutationTaster) provide inconsistent predictions regarding the impact to the protein; this information is not very predictive of pathogenicity. In summary, based on the above information the clinical significance of this variant cannot be determined with certainty at this time. This variant is classified as a variant of uncertain significance.

NM_000081.4(LYST):c.4336C>T (p.Arg1446Trp)

Gene: LYST (lysosomal trafficking regulator; minus strand). Cytogenetic location: 1q42.3.
Variant type: single nucleotide variant.
Coding change: c.4336C>T on transcript NM_000081.4 (MANE Select); coding-DNA position 4336, C replaced by T.
Protein change: p.Arg1446Trp; replaces arginine 1446 with tryptophan.
Molecular consequence: missense variant.
Genome position (GRCh38, 1-based): chr1:235,791,906, G>A on the plus strand (C>T on the coding strand, the complement: LYST is on the minus strand). VCF-style: chr1-235791906-G-A. GRCh37 (hg19) VCF-style: chr1-235955206-G-A.
Other names: c.4336C>T, p.Arg1446Trp (NM_001301365.1); short protein forms R1446W.
Identifiers: ClinVar variation 959432 (VCV000959432.11), dbSNP rs200276917, ClinGen allele CA1466870.
Genomic context (GRCh38, chr1:235,791,906, plus strand): 5'-AGCAGTTTTGCCCCAGCAACGGCAGGTGGACTGGGGCTATGTGCCAAGATGAAAGCAGCC[G>A]ATGGGGAAAACTCTCTCTATCAGCCTCTTTCTTGCTCCGTGAAACTCGTGCTCTTCTCAA-3'
Protein context (NP_000072.2, residues 1436-1456): KEADRESFPH[Arg1446Trp]LLSSWHIAPV